The following is an entry in ClinVar:

NM_001211.6(BUB1B):c.2137A>C (p.Thr713Pro)

Gene: BUB1B (BUB1 mitotic checkpoint serine/threonine kinase B; plus strand). Cytogenetic location: 15q15.1.
Variant type: single nucleotide variant.
Coding change: c.2137A>C on transcript NM_001211.6 (MANE Select); coding-DNA position 2137, A replaced by C.
Protein change: p.Thr713Pro; replaces threonine 713 with proline.
Molecular consequence: missense variant.
Genome position (GRCh38, 1-based): chr15:40,208,764, A>C. VCF-style: chr15-40208764-A-C. GRCh37 (hg19) VCF-style: chr15-40500965-A-C.
Other names: c.2137A>C (NM_001211.5); short protein forms T713P.
Identifiers: ClinVar variation 1504297 (VCV001504297.9), dbSNP rs2140905623, ClinGen allele CA391693945.

ClinVar aggregate classification (germline): Uncertain significance. Review status: criteria provided, multiple submitters, no conflicts (2 of 4 stars). 2 submissions from 2 submitters: Uncertain significance (2). Last evaluated 2023-06-17.

Conditions:
Mosaic variegated aneuploidy syndrome 1 (MVA1). Also called: Warburton-Anyane-Yeboa syndrome. Identifiers: Orphanet 1052, MedGen C1850343, MONDO:0009759, OMIM 257300.
Inborn genetic diseases. Identifiers: MedGen C0950123, MeSH D030342.

Submissions (2):

Ambry Genetics
Classification: Uncertain significance for Inborn genetic diseases. Last evaluated: 2023-06-17. Review status: criteria provided, single submitter. Criteria: Ambry Variant Classification Scheme 2023. Collection method: clinical testing. Allele origin: germline.
Comment: The p.T713P variant (also known as c.2137A>C), located in coding exon 16 of the BUB1B gene, results from an A to C substitution at nucleotide position 2137. The threonine at codon 713 is replaced by proline, an amino acid with highly similar properties. This amino acid position is conserved. In addition, this alteration is predicted to be tolerated by in silico analysis. Since supporting evidence is limited at this time, the clinical significance of this alteration remains unclear.

Labcorp Genetics (formerly Invitae), Labcorp
Classification: Uncertain significance for Mosaic variegated aneuploidy syndrome 1. Last evaluated: 2021-02-15. Review status: criteria provided, single submitter. Criteria: Invitae Variant Classification Sherloc (09022015). Collection method: clinical testing. Allele origin: germline.
Comment: In summary, the available evidence is currently insufficient to determine the role of this variant in disease. Therefore, it has been classified as a Variant of Uncertain Significance. Algorithms developed to predict the effect of missense changes on protein structure and function (SIFT, PolyPhen-2, Align-GVGD) all suggest that this variant is likely to be tolerated, but these predictions have not been confirmed by published functional studies and their clinical significance is uncertain. This variant has not been reported in the literature in individuals with BUB1B-related conditions. This variant is not present in population databases (ExAC no frequency). This sequence change replaces threonine with proline at codon 713 of the BUB1B protein (p.Thr713Pro). The threonine residue is weakly conserved and there is a small physicochemical difference between threonine and proline.